The following is an entry in ClinVar:

ClinVar aggregate classification (germline): Pathogenic (1 of 4 stars; one submission).

Conditions:
Hereditary nonpolyposis colorectal neoplasms. Identifiers: MedGen C0009405, MeSH D003123.

Submission:

Labcorp Genetics (formerly Invitae), Labcorp
Classification: Pathogenic for Hereditary nonpolyposis colorectal neoplasms. Last evaluated: 2021-09-25. Review status: criteria provided, single submitter. Criteria: Invitae Variant Classification Sherloc (09022015). Collection method: clinical testing. Allele origin: germline.
Comment: For these reasons, this variant has been classified as Pathogenic. A similar copy number variant has been observed in individual(s) with colon cancer (PMID: 20205264). This variant is a gross deletion of the genomic region encompassing exon(s) 1-6 of the PMS2 gene, which includes the initiator codon. The 5' end of this event is unknown as it extends beyond the assayed region for this gene and therefore may encompass additional genes. The 3' boundary is likely confined to intron 6 of the PMS2 gene. It is expected to result in an absent or disrupted protein product. Loss-of-function variants in PMS2 are known to be pathogenic (PMID: 21376568, 24362816).

Literature cited by the submitters: PubMed 20205264; PubMed 21376568; PubMed 24362816.

NC_000007.13:g.(?_6038729)_(6049099_?)del

Genes: AIMP2 (aminoacyl tRNA synthetase complex interacting multifunctional protein 2; plus strand), PMS2 (PMS1 homolog 2, mismatch repair system component; minus strand). Cytogenetic location: 7p22.1.
Variant type: Deletion.
Identifiers: ClinVar variation 1455079 (VCV001455079.4).